The following is an entry in ClinVar:

ClinVar aggregate classification (germline): Uncertain significance (1 of 4 stars; one submission).

Allele frequency attached by ClinVar (database versions not stated): gnomAD exomes below 0.00001.
gnomAD v4.1: 1 of 1,540,220 alleles (0.000065%); highest among the groups gnomAD compares: Non-Finnish European, 0.000087%; no homozygotes.

Submission:

Labcorp Genetics (formerly Invitae), Labcorp
Classification: Uncertain significance. Last evaluated: 2022-11-08. Review status: criteria provided, single submitter. Criteria: Invitae Variant Classification Sherloc (09022015). Collection method: clinical testing. Allele origin: germline.
Comment: This sequence change falls in intron 6 of the P3H2 gene. It does not directly change the encoded amino acid sequence of the P3H2 protein. This variant is not present in population databases (gnomAD no frequency). This variant has not been reported in the literature in individuals affected with P3H2-related conditions. Algorithms developed to predict the effect of sequence changes on RNA splicing suggest that this variant may disrupt the consensus splice site. In summary, the available evidence is currently insufficient to determine the role of this variant in disease. Therefore, it has been classified as a Variant of Uncertain Significance.

NM_018192.4(P3H2):c.1189-6A>G

Gene: P3H2 (prolyl 3-hydroxylase 2; minus strand). Cytogenetic location: 3q28.
Variant type: single nucleotide variant.
Coding change: c.1189-6A>G on transcript NM_018192.4 (MANE Select); 6 bases into the intron before coding-DNA position 1189, A replaced by G.
Molecular consequence: intron variant.
Genome position (GRCh38, 1-based): chr3:189,984,596, T>C on the plus strand (A>G on the coding strand, the complement: P3H2 is on the minus strand). VCF-style: chr3-189984596-T-C. GRCh37 (hg19) VCF-style: chr3-189702385-T-C.
Other names: c.646-6A>G (NM_001134418.2).
Identifiers: ClinVar variation 2108279 (VCV002108279.4), dbSNP rs2473815007, ClinGen allele CA2580070526.